The following is an entry in ClinVar:

ClinVar aggregate classification (germline): Uncertain significance (1 of 4 stars; one submission).

Conditions:
Hereditary cancer-predisposing syndrome. Also called: Neoplastic Syndromes, Hereditary; Tumor predisposition; Hereditary Cancer Syndrome; Hereditary neoplastic syndrome. Identifiers: Orphanet 140162, MedGen C0027672, MeSH D009386, MONDO:0015356.

Submission:

Ambry Genetics
Classification: Uncertain significance for Hereditary cancer-predisposing syndrome. Last evaluated: 2026-01-21. Review status: criteria provided, single submitter. Criteria: Ambry Variant Classification Scheme 2023. Collection method: clinical testing. Allele origin: germline.
Comment: The p.K533M variant (also known as c.1598A>T), located in coding exon 15 of the NF2 gene, results from an A to T substitution at nucleotide position 1598. The lysine at codon 533 is replaced by methionine, an amino acid with similar properties. This amino acid position is conserved. In addition, the in silico prediction for this alteration is inconclusive. Based on the available evidence, the clinical significance of this variant remains unclear.

NM_000268.4(NF2):c.1598A>T (p.Lys533Met)

Gene: NF2 (NF2, moesin-ezrin-radixin like (MERLIN) tumor suppressor; plus strand). Cytogenetic location: 22q12.2.
Variant type: single nucleotide variant.
Coding change: c.1598A>T on transcript NM_000268.4 (MANE Select); coding-DNA position 1598, A replaced by T.
Protein change: p.Lys533Met; replaces lysine 533 with methionine.
Molecular consequence: missense variant. On other transcripts: intron variant (3).
Genome position (GRCh38, 1-based): chr22:29,681,462, A>T. VCF-style: chr22-29681462-A-T. GRCh37 (hg19) VCF-style: chr22-30077451-A-T.
Other names: c.1484A>T, p.Lys495Met (NM_001407053.1, NM_001407056.1); c.1475A>T, p.Lys492Met (NM_001407054.1, NM_001407058.1, NM_181829.3); c.1472A>T, p.Lys491Met (NM_001407055.1, NM_181828.3); c.1463A>T, p.Lys488Met (NM_001407057.1, NM_001407059.1); c.1340A>T, p.Lys447Met (NM_001407062.1); c.1349A>T, p.Lys450Met (NM_001407063.1, NM_181830.3, NM_181831.3); c.1064A>T, p.Lys355Met (NM_001407065.1); c.1598A>T, p.Lys533Met (NM_001407066.1, NM_016418.5, NM_181825.3 and 1 more transcripts); and 4 more; short protein forms K450M, K355M, K456M, K488M, K492M, K447M, K491M, K495M.
Identifiers: ClinVar variation 4825428 (VCV004825428.1).